The following is an entry in ClinVar:

ClinVar aggregate classification (germline): Uncertain significance (1 of 4 stars; one submission).

Allele frequency attached by ClinVar (database versions not stated): TOPMed below 0.00001; gnomAD 0.00002.
gnomAD v4.1: 23 of 1,591,862 alleles (0.0014%); highest among the groups gnomAD compares: African/African-American, 0.0094%; no homozygotes.

Submission:

Labcorp Genetics (formerly Invitae), Labcorp
Classification: Uncertain significance. Last evaluated: 2024-08-29. Review status: criteria provided, single submitter. Criteria: Invitae Variant Classification Sherloc (09022015). Collection method: clinical testing. Allele origin: germline.
Comment: This sequence change replaces glutamic acid, which is acidic and polar, with glutamine, which is neutral and polar, at codon 59 of the SNIP1 protein (p.Glu59Gln). This variant is present in population databases (no rsID available, gnomAD 0.002%). This variant has not been reported in the literature in individuals affected with SNIP1-related conditions. An algorithm developed to predict the effect of missense changes on protein structure and function (PolyPhen-2) suggests that this variant is likely to be disruptive. In summary, the available evidence is currently insufficient to determine the role of this variant in disease. Therefore, it has been classified as a Variant of Uncertain Significance.

NM_024700.4(SNIP1):c.175G>C (p.Glu59Gln)

Genes: SNIP1 (Smad nuclear interacting protein 1; minus strand), LOC129930156 (ATAC-STARR-seq lymphoblastoid silent region 673; plus strand). Cytogenetic location: 1p34.3.
Variant type: single nucleotide variant.
Coding change: c.175G>C on transcript NM_024700.4 (MANE Select); coding-DNA position 175, G replaced by C.
Protein change: p.Glu59Gln; replaces glutamic acid 59 with glutamine.
Molecular consequence: missense variant.
Genome position (GRCh38, 1-based): chr1:37,554,055, C>G on the plus strand (G>C on the coding strand, the complement: SNIP1 is on the minus strand). VCF-style: chr1-37554055-C-G. GRCh37 (hg19) VCF-style: chr1-38019656-C-G.
Other names: short protein forms E59Q.
Identifiers: ClinVar variation 2956927 (VCV002956927.3), dbSNP rs945993314, ClinGen allele CA20795026.
Genomic context (GRCh38, chr1:37,554,055, plus strand): 5'-CCCCCACTTACCGGCTAACTCCTCGGGCTCGGTTCCCGCGGTGGCCCGAGCGGGCCGGCT[C>G]GCTGGTCGGCGGAGACGGGCTACCACCGGAGTGGTCCGGACGGCGGTGGGCGGGAGGTGC-3'
Protein context (NP_078976.2, residues 49-69): SGGSPSPPTS[Glu59Gln]PARSGHRGNR